The following is an entry in ClinVar:

NM_177438.3(DICER1):c.3930dup (p.Asn1311Ter)

Gene: DICER1 (dicer 1, ribonuclease III; minus strand). Cytogenetic location: 14q32.13.
Variant type: Duplication.
Coding change: c.3930dup on transcript NM_177438.3 (MANE Select); coding-DNA position 3930, one base duplicated (T; older notation c.3930dupT).
Protein change: p.Asn1311Ter; replaces asparagine 1311 with a stop codon.
Molecular consequence: nonsense. On other transcripts: non-coding transcript variant (6).
Genome position (GRCh38, 1-based): chr14:95,103,466, A duplicated on the plus strand (T on the coding strand, the reverse complement: DICER1 is on the minus strand); the first of 3 consecutive A bases (chr14:95,103,466-95,103,468); duplicating any one gives the same sequence. VCF-style (leftmost placement, unchanged base first): chr14-95103465-T-TA. GRCh37 (hg19) VCF-style: chr14-95569802-T-TA.
Other names: c.3930dup, p.Asn1311Ter (NM_001195573.1, NM_001271282.3, NM_001291628.2 and 12 more transcripts); c.3648dup, p.Asn1217Ter (NM_001395686.1); c.3525dup, p.Asn1176Ter (NM_001395687.1, NM_001395688.1, NM_001395689.1 and 2 more transcripts); c.3363dup, p.Asn1122Ter (NM_001395691.1); c.2247dup, p.Asn750Ter (NM_001395697.1); short protein forms N750*, N1122*, N1176*, N1217*, N1311*.
Identifiers: ClinVar variation 4759278 (VCV004759278.1).

ClinVar aggregate classification (germline): Likely pathogenic (1 of 4 stars; one submission).

Conditions:
DICER1-related tumor predisposition. Also called: DICER1-related pleuropulmonary blastoma cancer predisposition syndrome; DICER1 syndrome. Identifiers: Orphanet 284343, MedGen C3839822, MONDO:0100216.

Submission:

Institute for Genomic Medicine (IGM) Clinical Laboratory, Nationwide Children's Hospital
Classification: Likely pathogenic for DICER1-related tumor predisposition. Last evaluated: 2024-09-26. Review status: criteria provided, single submitter. Criteria: ACMG Guidelines, 2015. Collection method: clinical testing. Allele origin: germline.
Comment: This variant is predicted to result in loss of function through nonsense-mediated decay of the encoded transcript or premature truncation of the encoded protein in a gene in which loss of function is a known mechanism of disease (ACMG/AMP: PVS1; PMIDs:26925222, 31342592). This variant is absent from or present at an exceedingly low frequency in gnomAD, a large-scale control population database (ACMG/AMP: PM2).

Literature cited by the submitters: PubMed 26925222; PubMed 31342592.